The following is an entry in ClinVar:

NM_003638.3(ITGA8):c.2818G>A (p.Glu940Lys)

Gene: ITGA8 (integrin subunit alpha 8; minus strand). Cytogenetic location: 10p13.
Variant type: single nucleotide variant.
Coding change: c.2818G>A on transcript NM_003638.3 (MANE Select); coding-DNA position 2818, G replaced by A.
Protein change: p.Glu940Lys; replaces glutamic acid 940 with lysine.
Molecular consequence: missense variant.
Genome position (GRCh38, 1-based): chr10:15,548,517, C>T on the plus strand (G>A on the coding strand, the complement: ITGA8 is on the minus strand). VCF-style: chr10-15548517-C-T. GRCh37 (hg19) VCF-style: chr10-15590516-C-T.
Other names: c.2773G>A, p.Glu925Lys (NM_001291494.2); short protein forms E925K, E940K.
Identifiers: ClinVar variation 4980543 (VCV004980543.1).

ClinVar aggregate classification (germline): Uncertain significance (1 of 4 stars; one submission).

Conditions:
ITGA8-related disorder. Also called: ITGA8-related condition.

gnomAD v4.1: 15 of 1,601,216 alleles (0.00094%); highest among the groups gnomAD compares: African/African-American, 0.0041%; no homozygotes.

Submission:

PreventionGenetics, part of Exact Sciences
Classification: Uncertain significance for ITGA8-related condition. Last evaluated: 2026-06-04. Review status: criteria provided, single submitter. Criteria: ACMG Guidelines, 2015. Collection method: clinical testing. Allele origin: germline.
Comment: The ITGA8 c.2818G>A variant is predicted to result in the amino acid substitution p.Glu940Lys. To our knowledge, this variant has not been reported in the literature. This variant is reported in 0.0064% of alleles in individuals of African descent in gnomAD. At this time, the clinical significance of this variant is uncertain due to the absence of conclusive functional and genetic evidence.